The following is an entry in ClinVar:

GRCh38/hg38 8p23.3-23.1(chr8:219853-7084815)x1

Genes: AGPAT5 (1-acylglycerol-3-phosphate O-acyltransferase 5; plus strand), ANGPT2 (angiopoietin 2; minus strand), ARHGEF10 (Rho guanine nucleotide exchange factor 10; plus strand), CLN8 (CLN8 transmembrane ER and ERGIC protein; plus strand), CLN8-AS1 (CLN8 antisense RNA 1; minus strand) and 123 more. Cytogenetic location: 8p23.3-23.1.
Variant type: copy number loss.
Change: copy number 1 (one copy instead of two) of chr8:219,853-7,084,815 (6.86 Mb, GRCh38 coordinates, 1-based), cytogenetic band 8p23.3-23.1.
Identifiers: ClinVar variation 60330 (VCV000060330.3).

ClinVar aggregate classification (germline): Pathogenic (1 of 4 stars; one submission).

Submission:

ISCA Site 6
Classification: Pathogenic. Last evaluated: 2011-08-12. Review status: criteria provided, single submitter. Criteria: Kaminsky et al. (Genet Med. 2011). Collection method: clinical testing. Allele origin: unknown. Affected: yes. Observed: 2 variant alleles.
Comment: Copy number variation identified through the course of routine clinical cytogenomic testing in postnatal populations. Clinical assertions have been curated as described in Kaminsky et al. 2011.